The following is an entry in ClinVar:

NM_017837.4(PIGV):c.134G>A (p.Arg45His)

Gene: PIGV (phosphatidylinositol glycan anchor biosynthesis class V; plus strand). Cytogenetic location: 1p36.11.
Variant type: single nucleotide variant.
Coding change: c.134G>A on transcript NM_017837.4 (MANE Select); coding-DNA position 134, G replaced by A.
Protein change: p.Arg45His; replaces arginine 45 with histidine.
Molecular consequence: missense variant. On other transcripts: non-coding transcript variant (2), intron variant (1), 5 prime UTR variant (1).
Genome position (GRCh38, 1-based): chr1:26,794,168, G>A. VCF-style: chr1-26794168-G-A. GRCh37 (hg19) VCF-style: chr1-27120659-G-A.
Other names: c.78+3275G>A (NM_001374486.1); c.134G>A, p.Arg45His (NM_001202554.2, NM_001374478.1, NM_001374480.1 and 4 more transcripts); c.-248G>A (NM_001374483.1); short protein forms R45H.
Identifiers: ClinVar variation 288236 (VCV000288236.14), dbSNP rs148135928, ClinGen allele CA708002.

ClinVar aggregate classification (germline): Uncertain significance. Review status: criteria provided, multiple submitters, no conflicts (2 of 4 stars). 4 submissions from 4 submitters: Uncertain significance (4). Last evaluated 2024-11-19.

Conditions:
Hyperphosphatasia with impaired intellectual development syndrome 1. Also called: MABRY SYNDROME; GLYCOSYLPHOSPHATIDYLINOSITOL BIOSYNTHESIS DEFECT 2; Hyperphosphatasia with intellectual disability syndrome 1. Identifiers: Orphanet 247262, MedGen C4551502, MONDO:0009398, OMIM 239300.

Allele frequency attached by ClinVar (database versions not stated): ExAC 0.00007; gnomAD exomes 0.00009; TOPMed 0.00009; gnomAD 0.00011; ESP Exome Variant Server 0.00015; 1000 Genomes Project 30x 0.00016; 1000 Genomes Project 0.00020.

Submissions (4):

GeneDx
Classification: Uncertain significance. Last evaluated: 2024-11-19. Review status: criteria provided, single submitter. Criteria: GeneDx Variant Classification Process June 2021. Collection method: clinical testing. Allele origin: germline. Affected: yes.
Comment: In silico analysis supports that this missense variant does not alter protein structure/function; Has not been previously published as pathogenic or benign to our knowledge

Labcorp Genetics (formerly Invitae), Labcorp
Classification: Uncertain significance. Last evaluated: 2022-09-27. Review status: criteria provided, single submitter. Criteria: Invitae Variant Classification Sherloc (09022015). Collection method: clinical testing. Allele origin: germline.
Comment: This sequence change replaces arginine, which is basic and polar, with histidine, which is basic and polar, at codon 45 of the PIGV protein (p.Arg45His). This variant is present in population databases (rs148135928, gnomAD 0.02%). This variant has not been reported in the literature in individuals affected with PIGV-related conditions. ClinVar contains an entry for this variant (Variation ID: 288236). Advanced modeling of protein sequence and biophysical properties (such as structural, functional, and spatial information, amino acid conservation, physicochemical variation, residue mobility, and thermodynamic stability) performed at Invitae indicates that this missense variant is not expected to disrupt PIGV protein function. In summary, the available evidence is currently insufficient to determine the role of this variant in disease. Therefore, it has been classified as a Variant of Uncertain Significance.

Center for Genomics, Ann and Robert H. Lurie Children's Hospital of Chicago
Classification: Uncertain significance for Hyperphosphatasia with impaired intellectual development syndrome 1. Last evaluated: 2021-03-30. Review status: criteria provided, single submitter. Criteria: ACMG Guidelines, 2015. Collection method: clinical testing. Allele origin: germline.
Comment: PIGV NM_017837.3 exon 3 p.Arg45His (c.134G>A): This variant has not been reported in the literature but is present in 0.02% (7/34420) of Latino alleles in the Genome Aggregation Database. This variant is present in ClinVar (Variation ID:288236). Evolutionary conservation and computational predictive tools for this variant are unclear. In summary, data on this variant is insufficient for disease classification. Therefore, the clinical significance of this variant is uncertain.

Eurofins Ntd Llc (ga)
Classification: Uncertain significance. Last evaluated: 2016-06-28. Review status: criteria provided, single submitter. Criteria: EGL Classification Definitions 2015. Collection method: clinical testing. Allele origin: germline. Observed: 1 variant allele, 1 heterozygote.